The following is an entry in ClinVar:

ClinVar aggregate classification (germline): Likely benign. Review status: criteria provided, multiple submitters, no conflicts (2 of 4 stars). 3 submissions from 3 submitters: Likely benign (3). Last evaluated 2025-10-13.

Conditions:
Catecholaminergic polymorphic ventricular tachycardia 1. Also called: VENTRICULAR TACHYCARDIA, CATECHOLAMINERGIC POLYMORPHIC, 1, WITH OR WITHOUT ATRIAL DYSFUNCTION AND/OR DILATED CARDIOMYOPATHY; VENTRICULAR TACHYCARDIA, STRESS-INDUCED POLYMORPHIC 1; RYR2-Related Catecholaminergic Polymorphic Ventricular Tachycardia. Identifiers: Orphanet 3286, MedGen C1631597, MONDO:0011484, OMIM 604772.
Cardiovascular phenotype. Identifiers: MedGen CN230736.
Catecholaminergic polymorphic ventricular tachycardia (CVPT). Also called: Catecholamine-induced polymorphic ventricular tachycardia. Identifiers: Orphanet 3286, MedGen C5574922, MONDO:0017990.

Allele frequency attached by ClinVar (database versions not stated): gnomAD exomes below 0.00001; TOPMed below 0.00001; gnomAD 0.00001.
gnomAD v4.1: 3 of 1,612,220 alleles (0.00019%); highest among the groups gnomAD compares: Non-Finnish European, 0.00025%; no homozygotes.

Submissions (3):

Labcorp Genetics (formerly Invitae), Labcorp
Classification: Likely benign for Catecholaminergic polymorphic ventricular tachycardia 1. Last evaluated: 2025-10-13. Review status: criteria provided, single submitter. Criteria: Invitae Variant Classification Sherloc (09022015). Collection method: clinical testing. Allele origin: germline.

All of Us Research Program, National Institutes of Health
Classification: Likely benign for Catecholaminergic polymorphic ventricular tachycardia. Last evaluated: 2022-11-30. Review status: criteria provided, single submitter. Criteria: ACMG Guidelines, 2015. Collection method: clinical testing. Allele origin: germline. Inheritance: Autosomal dominant inheritance. Observed: 1 variant allele, 1 heterozygote.
Comment: This study involves interpretation of variants in research participants for the purpose of population health screening. Participant phenotype was not available at the time of variant classification. Additional details can be found in publication PMID: 35346344, PMCID: PMC8962531

Ambry Genetics
Classification: Likely benign for Cardiovascular phenotype. Last evaluated: 2019-10-18. Review status: criteria provided, single submitter. Criteria: Ambry Variant Classification Scheme 2023. Collection method: clinical testing. Allele origin: germline.

NM_001035.3(RYR2):c.1672T>C (p.Leu558=)

Gene: RYR2 (ryanodine receptor 2; plus strand). Cytogenetic location: 1q43.
Variant type: single nucleotide variant.
Coding change: c.1672T>C on transcript NM_001035.3 (MANE Select); coding-DNA position 1672, T replaced by C.
Protein change: p.Leu558=; no amino-acid change (leucine 558 retained).
Molecular consequence: synonymous variant.
Genome position (GRCh38, 1-based): chr1:237,469,151, T>C. VCF-style: chr1-237469151-T-C. GRCh37 (hg19) VCF-style: chr1-237632451-T-C.
Identifiers: ClinVar variation 1777734 (VCV001777734.5), dbSNP rs1660405621, ClinGen allele CA423813368.